The following is an entry in ClinVar:

ClinVar aggregate classification (germline): Uncertain significance (1 of 4 stars; one submission).

Conditions:
Bethlem myopathy 1A. Also called: MYOPATHY, BENIGN CONGENITAL, WITH CONTRACTURES; Bethlem Muscular Dystrophy; Bethlem myopathy 1. Identifiers: Orphanet 610, MedGen CN029274, MONDO:0024530, OMIM 158810.

Allele frequency attached by ClinVar (database versions not stated): TOPMed 0.00002; gnomAD exomes below 0.00001.
gnomAD v4.1: 1 of 1,614,242 alleles (0.000062%); highest among the groups gnomAD compares: African/African-American, 0.0013%; no homozygotes.

Submission:

Labcorp Genetics (formerly Invitae), Labcorp
Classification: Uncertain significance for Bethlem myopathy 1A. Last evaluated: 2022-11-15. Review status: criteria provided, single submitter. Criteria: Invitae Variant Classification Sherloc (09022015). Collection method: clinical testing. Allele origin: germline.
Comment: In summary, the available evidence is currently insufficient to determine the role of this variant in disease. Therefore, it has been classified as a Variant of Uncertain Significance. Advanced modeling of protein sequence and biophysical properties (such as structural, functional, and spatial information, amino acid conservation, physicochemical variation, residue mobility, and thermodynamic stability) performed at Invitae indicates that this missense variant is not expected to disrupt COL6A3 protein function. ClinVar contains an entry for this variant (Variation ID: 838952). This variant has not been reported in the literature in individuals affected with COL6A3-related conditions. This variant is not present in population databases (gnomAD no frequency). This sequence change replaces alanine, which is neutral and non-polar, with threonine, which is neutral and polar, at codon 2259 of the COL6A3 protein (p.Ala2259Thr).

NM_004369.4(COL6A3):c.6775G>A (p.Ala2259Thr)

Gene: COL6A3 (collagen type VI alpha 3 chain; minus strand). Cytogenetic location: 2q37.3.
Variant type: single nucleotide variant.
Coding change: c.6775G>A on transcript NM_004369.4 (MANE Select); coding-DNA position 6775, G replaced by A.
Protein change: p.Ala2259Thr; replaces alanine 2259 with threonine.
Molecular consequence: missense variant.
Genome position (GRCh38, 1-based): chr2:237,351,171, C>T on the plus strand (G>A on the coding strand, the complement: COL6A3 is on the minus strand). VCF-style: chr2-237351171-C-T. GRCh37 (hg19) VCF-style: chr2-238259814-C-T.
Other names: c.4954G>A, p.Ala1652Thr (NM_057166.5); c.6157G>A, p.Ala2053Thr (NM_057167.4); short protein forms A2259T, A2053T, A1652T.
Identifiers: ClinVar variation 838952 (VCV000838952.10), dbSNP rs2077198497, ClinGen allele CA351210830.
Genomic context (GRCh38, chr2:237,351,171, plus strand): 5'-TACCTTTCTAAAGACAAACCTTTCTTCCCAGTGGACCGGTTCTGCCTCGTTCTCCAGGAG[C>T]ACCAGCGGCACCTCCGCTTCCCTGGAGCAGGAGGGGAGGAATGTGTCAGTGAAGTGGCCA-3'
Protein context (NP_004360.2, residues 2249-2269): GPRGSGGAAG[Ala2259Thr]PGERGRTGPL